The following is an entry in ClinVar:

NM_024757.5(EHMT1):c.145G>T (p.Ala49Ser)

Gene: EHMT1 (euchromatic histone lysine methyltransferase 1; plus strand). Cytogenetic location: 9q34.3.
Variant type: single nucleotide variant.
Coding change: c.145G>T on transcript NM_024757.5 (MANE Select); coding-DNA position 145, G replaced by T.
Protein change: p.Ala49Ser; replaces alanine 49 with serine.
Molecular consequence: missense variant.
Genome position (GRCh38, 1-based): chr9:137,716,685, G>T. VCF-style: chr9-137716685-G-T. GRCh37 (hg19) VCF-style: chr9-140611137-G-T.
Other names: c.145G>T, p.Ala49Ser (NM_001145527.2, NM_001354263.2, NM_001354611.2); c.52G>T, p.Ala18Ser (NM_001354259.2, NM_001354612.2); short protein forms A49S, A18S.
Identifiers: ClinVar variation 531855 (VCV000531855.9), dbSNP rs1372403007, ClinGen allele CA375762568.

ClinVar aggregate classification (germline): Uncertain significance (1 of 4 stars; one submission).

Conditions:
Kleefstra syndrome 1 (KLEFS1). Identifiers: Orphanet 261494, MedGen C0795833, MONDO:0027407, OMIM 610253.

Allele frequency attached by ClinVar (database versions not stated): gnomAD exomes below 0.00001; gnomAD 0.00001; TOPMed 0.00001.
gnomAD v4.1: 13 of 1,605,422 alleles (0.00081%); highest among the groups gnomAD compares: Non-Finnish European, 0.001%; no homozygotes.

Submission:

Labcorp Genetics (formerly Invitae), Labcorp
Classification: Uncertain significance for Kleefstra syndrome 1. Last evaluated: 2025-07-13. Review status: criteria provided, single submitter. Criteria: Invitae Variant Classification Sherloc (09022015). Collection method: clinical testing. Allele origin: germline.
Comment: This sequence change replaces alanine, which is neutral and non-polar, with serine, which is neutral and polar, at codon 49 of the EHMT1 protein (p.Ala49Ser). The frequency data for this variant in the population databases is considered unreliable, as metrics indicate poor data quality at this position in the gnomAD database. This variant has not been reported in the literature in individuals affected with EHMT1-related conditions. ClinVar contains an entry for this variant (Variation ID: 531855). An algorithm developed to predict the effect of missense changes on protein structure and function (PolyPhen-2) suggests that this variant is likely to be tolerated. In summary, the available evidence is currently insufficient to determine the role of this variant in disease. Therefore, it has been classified as a Variant of Uncertain Significance.